The following is an entry in ClinVar:

NC_000006.12:g.(?_111559385)_(111592106_?)dup

Genes: TRAF3IP2 (TRAF3 interacting protein 2; minus strand), TRAF3IP2-AS1 (TRAF3IP2 antisense RNA 1; plus strand). Cytogenetic location: 6q21.
Variant type: Duplication.
Identifiers: ClinVar variation 832342 (VCV000832342.7).

ClinVar aggregate classification (germline): Uncertain significance (1 of 4 stars; one submission).

Conditions:
Candidiasis, familial, 8 (CANDF8). Identifiers: Orphanet 1334, MedGen C3714992, MONDO:0014230, OMIM 615527.

Submission:

Labcorp Genetics (formerly Invitae), Labcorp
Classification: Uncertain significance for Candidiasis, familial, 8. Last evaluated: 2019-04-28. Review status: criteria provided, single submitter. Criteria: Invitae Variant Classification Sherloc (09022015). Collection method: clinical testing. Allele origin: germline.
Comment: This variant has not been reported in the literature in individuals with TRAF3IP2-related conditions. In summary, the available evidence is currently insufficient to determine the role of this variant in disease. Therefore, it has been classified as a Variant of Uncertain Significance. This variant results in a copy number gain of the genomic region encompassing the full coding sequence of the TRAF3IP2 gene. The boundaries of this event are unknown as they extend beyond the assayed region for this gene and therefore may encompass additional genes. As the precise location of this event is unknown, it may be in tandem or it may be located elsewhere in the genome.